The following is an entry in ClinVar:

NM_022455.5(NSD1):c.6909G>A (p.Gly2303=)

Gene: NSD1 (nuclear receptor binding SET domain protein 1; plus strand). Cytogenetic location: 5q35.3.
Variant type: single nucleotide variant.
Coding change: c.6909G>A on transcript NM_022455.5 (MANE Select); coding-DNA position 6909, G replaced by A.
Protein change: p.Gly2303=; no amino-acid change (glycine 2303 retained).
Molecular consequence: synonymous variant.
Genome position (GRCh38, 1-based): chr5:177,294,277, G>A. VCF-style: chr5-177294277-G-A. GRCh37 (hg19) VCF-style: chr5-176721278-G-A.
Other names: c.6036G>A, p.Gly2012= (NM_001365684.2, NM_001409308.1, NM_172349.5); c.6909G>A, p.Gly2303= (NM_001409301.1, NM_001409302.1, NM_001409303.1); c.6489G>A, p.Gly2163= (NM_001409304.1); c.6156G>A, p.Gly2052= (NM_001409305.1); c.6147G>A, p.Gly2049= (NM_001409306.1, NM_001409307.1); c.5787G>A, p.Gly1929= (NM_001409309.1).
Identifiers: ClinVar variation 3060325 (VCV003060325.2), dbSNP rs1402218230, ClinGen allele CA447961560.
Genomic context (GRCh38, chr5:177,294,277, plus strand): 5'-TGAGAGAACTGACTCCAGGCCCCAGCCTTTAGATAAGGTCAGAGACCTCGCTGGGTCAGG[G>A]ACCAAATCCCAATCCTTGGTTTCCAGCCAGAGGCCACTGGACAGGCCACCAGCAGTGGCA-3'
Protein context (NP_071900.2, residues 2293-2313): LDKVRDLAGS[Gly2303=]TKSQSLVSSQ

ClinVar aggregate classification (germline): Likely benign (0 of 4 stars; one submission).

Conditions:
NSD1-related disorder. Also called: NSD1-related condition.

Allele frequency attached by ClinVar (database versions not stated): gnomAD exomes below 0.00001.
gnomAD v4.1: 1 of 1,613,466 alleles (0.000062%); highest among the groups gnomAD compares: Non-Finnish European, 0.000085%; no homozygotes.

Submission:

PreventionGenetics, part of Exact Sciences
Classification: Likely benign for NSD1-related condition. Last evaluated: 2021-06-28. Review status: no assertion criteria provided. Collection method: clinical testing. Allele origin: germline.
Comment: This variant is classified as likely benign based on ACMG/AMP sequence variant interpretation guidelines (Richards et al. 2015 PMID: 25741868, with internal and published modifications).